The following is an entry in ClinVar:

ClinVar aggregate classification (germline): Uncertain significance (1 of 4 stars; one submission).

Conditions:
Severe combined immunodeficiency due to LCK deficiency. Also called: Immunodeficiency 22. Identifiers: Orphanet 280142, MedGen C4014233, MONDO:0014334, OMIM 615758.

Allele frequency attached by ClinVar (database versions not stated): ExAC 0.00001.
gnomAD v4.1: 1 of 1,611,410 alleles (0.000062%); highest among the groups gnomAD compares: Non-Finnish European, 0.000085%; no homozygotes.

Submission:

Labcorp Genetics (formerly Invitae), Labcorp
Classification: Uncertain significance for Severe combined immunodeficiency due to LCK deficiency. Last evaluated: 2023-08-10. Review status: criteria provided, single submitter. Criteria: Invitae Variant Classification Sherloc (09022015). Collection method: clinical testing. Allele origin: germline.
Comment: This variant has not been reported in the literature in individuals affected with LCK-related conditions. This sequence change replaces glycine, which is neutral and non-polar, with arginine, which is basic and polar, at codon 34 of the LCK protein (p.Gly34Arg). This variant is present in population databases (rs770282584, gnomAD 0.0009%). ClinVar contains an entry for this variant (Variation ID: 1720609). An algorithm developed to predict the effect of missense changes on protein structure and function (PolyPhen-2) suggests that this variant is likely to be tolerated. In summary, the available evidence is currently insufficient to determine the role of this variant in disease. Therefore, it has been classified as a Variant of Uncertain Significance.

NM_005356.5(LCK):c.100G>C (p.Gly34Arg)

Gene: LCK (LCK proto-oncogene, Src family tyrosine kinase; plus strand). Cytogenetic location: 1p35.2.
Variant type: single nucleotide variant.
Coding change: c.100G>C on transcript NM_005356.5 (MANE Select); coding-DNA position 100, G replaced by C.
Protein change: p.Gly34Arg; replaces glycine 34 with arginine.
Molecular consequence: missense variant.
Genome position (GRCh38, 1-based): chr1:32,274,429, G>C. VCF-style: chr1-32274429-G-C. GRCh37 (hg19) VCF-style: chr1-32740030-G-C.
Other names: c.100G>C, p.Gly34Arg (NM_001042771.3, NM_001330468.2); short protein forms G34R.
Identifiers: ClinVar variation 1720609 (VCV001720609.5), dbSNP rs770282584, ClinGen allele CA740973.